The following is an entry in ClinVar:

ClinVar aggregate classification (germline): Uncertain significance (1 of 4 stars; one submission).

Submission:

Labcorp Genetics (formerly Invitae), Labcorp
Classification: Uncertain significance. Last evaluated: 2024-04-01. Review status: criteria provided, single submitter. Criteria: Invitae Variant Classification Sherloc (09022015). Collection method: clinical testing. Allele origin: germline.
Comment: This sequence change replaces proline, which is neutral and non-polar, with alanine, which is neutral and non-polar, at codon 25 of the RP1L1 protein (p.Pro25Ala). This variant is not present in population databases (gnomAD no frequency). This variant has not been reported in the literature in individuals affected with RP1L1-related conditions. Advanced modeling of protein sequence and biophysical properties (such as structural, functional, and spatial information, amino acid conservation, physicochemical variation, residue mobility, and thermodynamic stability) performed at Invitae indicates that this missense variant is not expected to disrupt RP1L1 protein function with a negative predictive value of 80%. In summary, the available evidence is currently insufficient to determine the role of this variant in disease. Therefore, it has been classified as a Variant of Uncertain Significance.

NM_178857.6(RP1L1):c.73C>G (p.Pro25Ala)

Gene: RP1L1 (RP1 like 1). Cytogenetic location: 8p23.1.
Variant type: single nucleotide variant.
Coding change: c.73C>G on transcript NM_178857.6 (MANE Select); coding-DNA position 73, C replaced by G.
Protein change: p.Pro25Ala; replaces proline 25 with alanine.
Molecular consequence: missense variant.
Genome position (GRCh38, 1-based): chr8:10,623,129, G>C on the plus strand (C>G on the coding strand, the complement: RP1L1 is on the minus strand). VCF-style: chr8-10623129-G-C. GRCh37 (hg19) VCF-style: chr8-10480639-G-C.
Other names: short protein forms P25A.
Identifiers: ClinVar variation 3648376 (VCV003648376.2).
Genomic context (GRCh38, chr8:10,623,129, plus strand): 5'-GTGGATCCCCTCGCTTGAGGAAGGTGATCTTCTTGGCTGGCGTGACCTTGGTGACCGAGG[G>C]GGTGCGAGCCACAGAGGGCAGGAAGCACTCACGGTGGCTCGGGGCCTGGGCATTCCTGGG-3'
Protein context (NP_849188.4, residues 15-35): ECFLPSVART[Pro25Ala]SVTKVTPAKK